The following is an entry in ClinVar:

NM_001289808.2(CRYAB):c.102G>T (p.Glu34Asp)

Gene: CRYAB (crystallin alpha B; minus strand). Cytogenetic location: 11q23.1.
Variant type: single nucleotide variant.
Coding change: c.102G>T on transcript NM_001289808.2 (MANE Select); coding-DNA position 102, G replaced by T.
Protein change: p.Glu34Asp; replaces glutamic acid 34 with aspartic acid.
Molecular consequence: missense variant.
Genome position (GRCh38, 1-based): chr11:111,911,623, C>A on the plus strand (G>T on the coding strand, the complement: CRYAB is on the minus strand). VCF-style: chr11-111911623-C-A. GRCh37 (hg19) VCF-style: chr11-111782347-C-A.
Other names: c.102G>T, p.Glu34Asp (NM_001289807.1, NM_001368245.1, NM_001885.3); short protein forms E34D.
Identifiers: ClinVar variation 302432 (VCV000302432.9), dbSNP rs886047688, ClinGen allele CA10629845.

ClinVar aggregate classification (germline): Uncertain significance. Review status: criteria provided, multiple submitters, no conflicts (2 of 4 stars). 4 submissions from 3 submitters: Uncertain significance (4). Last evaluated 2024-01-22.

Conditions:
Fatal infantile hypertonic myofibrillar myopathy (MFM2B). Also called: MYOPATHY, MYOFIBRILLAR, 2B, INFANTILE-ONSET; MFM, FATAL INFANTILE HYPERTONIC, ALPHA-B CRYSTALLIN-RELATED. Identifiers: Orphanet 280553, MedGen C5190691, MONDO:0013472, OMIM 613869.
Dilated cardiomyopathy 1II (CMD1II). Identifiers: Orphanet 154, MedGen C3554649, MONDO:0014073, OMIM 615184.
Cataract 16 multiple types. Also called: CATARACT 16, POSTERIOR POLAR; CATARACT 16, CONGENITAL LAMELLAR; CATARACT, CONGENITAL LAMELLAR. Identifiers: Orphanet 91492, Orphanet 98992, Orphanet 98993, Orphanet 98995, MedGen C3808377, MONDO:0013411, OMIM 613763.
Myofibrillar myopathy 2. Also called: MYOPATHY, DESMIN-RELATED, ASSOCIATED WITH MUTATION IN THE CRYAB GENE; MYOPATHY, MYOFIBRILLAR, ALPHA-B CRYSTALLIN-RELATED; MYOPATHY, MYOFIBRILLAR, WITH OR WITHOUT CATARACT AND/OR CARDIOMYOPATHY; MYOPATHY, MYOFIBRILLAR, 2A, ADULT-ONSET. Identifiers: Orphanet 280553, Orphanet 399058, MedGen C1837317, MONDO:0012130.

Allele frequency attached by ClinVar (database versions not stated): gnomAD exomes below 0.00001; TOPMed below 0.00001; gnomAD 0.00001.
gnomAD v4.1: 6 of 1,612,626 alleles (0.00037%); highest among the groups gnomAD compares: Non-Finnish European, 0.00051%; no homozygotes.

Submissions (4):

Labcorp Genetics (formerly Invitae), Labcorp
Classification: Uncertain significance for Dilated cardiomyopathy 1II. Last evaluated: 2024-01-22. Review status: criteria provided, single submitter. Criteria: Invitae Variant Classification Sherloc (09022015). Collection method: clinical testing. Allele origin: germline.
Comment: This sequence change replaces glutamic acid, which is acidic and polar, with aspartic acid, which is acidic and polar, at codon 34 of the CRYAB protein (p.Glu34Asp). The frequency data for this variant in the population databases is considered unreliable, as metrics indicate poor data quality at this position in the gnomAD database. This variant has not been reported in the literature in individuals affected with CRYAB-related conditions. ClinVar contains an entry for this variant (Variation ID: 302432). Algorithms developed to predict the effect of missense changes on protein structure and function output the following: SIFT: "Not Available"; PolyPhen-2: "Benign"; Align-GVGD: "Not Available". The aspartic acid amino acid residue is found in multiple mammalian species, which suggests that this missense change does not adversely affect protein function. In summary, the available evidence is currently insufficient to determine the role of this variant in disease. Therefore, it has been classified as a Variant of Uncertain Significance.

Fulgent Genetics
Classification: Uncertain significance for Cataract 16 multiple types; Fatal infantile hypertonic myofibrillar myopathy; Dilated cardiomyopathy 1II. Last evaluated: 2021-07-20. Review status: criteria provided, single submitter. Criteria: ACMG Guidelines, 2015. Collection method: clinical testing. Allele origin: unknown.

Illumina Laboratory Services, Illumina
Classification: Uncertain significance for Cataract 16 multiple types. Last evaluated: 2018-01-13. Review status: criteria provided, single submitter. Criteria: ICSL Variant Classification Criteria 13 December 2019. Collection method: clinical testing. Allele origin: germline.

Illumina Laboratory Services, Illumina
Classification: Uncertain significance for Fatal infantile hypertonic myofibrillar myopathy. Last evaluated: 2018-01-13. Review status: criteria provided, single submitter. Criteria: ICSL Variant Classification Criteria 13 December 2019. Collection method: clinical testing. Allele origin: germline.